The following is an entry in ClinVar:

NM_001458.5(FLNC):c.3805G>T (p.Val1269Leu)

Gene: FLNC (filamin C; plus strand). Cytogenetic location: 7q32.1.
Variant type: single nucleotide variant.
Coding change: c.3805G>T on transcript NM_001458.5 (MANE Select); coding-DNA position 3805, G replaced by T.
Protein change: p.Val1269Leu; replaces valine 1269 with leucine.
Molecular consequence: missense variant.
Genome position (GRCh38, 1-based): chr7:128,846,004, G>T. VCF-style: chr7-128846004-G-T. GRCh37 (hg19) VCF-style: chr7-128486058-G-T.
Other names: c.3805G>T, p.Val1269Leu (NM_001127487.2); short protein forms V1269L.
Identifiers: ClinVar variation 940224 (VCV000940224.10), dbSNP rs1808547668, ClinGen allele CA369198350.

ClinVar aggregate classification (germline): Uncertain significance (1 of 4 stars; one submission).

Conditions:
Myofibrillar myopathy 5. Also called: FILAMINOPATHY, AUTOSOMAL DOMINANT; Filaminopathy (type). Identifiers: Orphanet 171445, MedGen C1836050, MONDO:0012289, OMIM 609524.
Distal myopathy with posterior leg and anterior hand involvement. Also called: WILLIAMS DISTAL MYOPATHY. Identifiers: Orphanet 63273, MedGen C3279722, MONDO:0013550, OMIM 614065.
Hypertrophic cardiomyopathy 26. Also called: Cardiomyopathy, familial hypertrophic, 26. Identifiers: Orphanet 75249, MedGen C4310749, MONDO:0014883, OMIM 617047.

Submission:

Labcorp Genetics (formerly Invitae), Labcorp
Classification: Uncertain significance for Distal myopathy with posterior leg and anterior hand involvement; Myofibrillar myopathy 5; Hypertrophic cardiomyopathy 26. Last evaluated: 2019-08-22. Review status: criteria provided, single submitter. Criteria: Invitae Variant Classification Sherloc (09022015). Collection method: clinical testing. Allele origin: germline.
Comment: In summary, the available evidence is currently insufficient to determine the role of this variant in disease. Therefore, it has been classified as a Variant of Uncertain Significance. Algorithms developed to predict the effect of missense changes on protein structure and function are either unavailable or do not agree on the potential impact of this missense change (SIFT: "Deleterious"; PolyPhen-2: "Probably Damaging"; Align-GVGD: "Class C0"). This variant has not been reported in the literature in individuals with FLNC-related conditions. This variant is not present in population databases (ExAC no frequency). This sequence change replaces valine with leucine at codon 1269 of the FLNC protein (p.Val1269Leu). The valine residue is moderately conserved and there is a small physicochemical difference between valine and leucine.